The following is an entry in ClinVar:

ClinVar aggregate classification (germline): Uncertain significance (1 of 4 stars; one submission).

Allele frequency attached by ClinVar (database versions not stated): gnomAD exomes below 0.00001.
gnomAD v4.1: 2 of 1,613,722 alleles (0.00012%); highest among the groups gnomAD compares: Non-Finnish European, 0.000085%; no homozygotes.

Submission:

Labcorp Genetics (formerly Invitae), Labcorp
Classification: Uncertain significance. Last evaluated: 2025-10-07. Review status: criteria provided, single submitter. Criteria: Invitae Variant Classification Sherloc (09022015). Collection method: clinical testing. Allele origin: germline.
Comment: This sequence change falls in intron 9 of the SLC12A1 gene. It does not directly change the encoded amino acid sequence of the SLC12A1 protein. It affects a nucleotide within the consensus splice site. This variant is present in population databases (no rsID available, gnomAD 0.004%). This variant has not been reported in the literature in individuals affected with SLC12A1-related conditions. ClinVar contains an entry for this variant (Variation ID: 2083314). Variants that disrupt the consensus splice site are a relatively common cause of aberrant splicing (PMID: 17576681, 9536098). Algorithms developed to predict the effect of sequence changes on RNA splicing suggest that this variant is not likely to affect RNA splicing. In summary, the available evidence is currently insufficient to determine the role of this variant in disease. Therefore, it has been classified as a Variant of Uncertain Significance.

Literature cited by the submitters: PubMed 17576681; PubMed 9536098.

NM_000338.3(SLC12A1):c.1215+3A>G

Gene: SLC12A1 (solute carrier family 12 member 1; plus strand). Cytogenetic location: 15q21.1.
Variant type: single nucleotide variant.
Coding change: c.1215+3A>G on transcript NM_000338.3 (MANE Select); 3 bases into the intron after coding-DNA position 1215, A replaced by G.
Molecular consequence: intron variant.
Genome position (GRCh38, 1-based): chr15:48,235,007, A>G. VCF-style: chr15-48235007-A-G. GRCh37 (hg19) VCF-style: chr15-48527204-A-G.
Other names: c.1215+3A>G (NM_001384136.1, NM_001184832.2).
Identifiers: ClinVar variation 2083314 (VCV002083314.3), dbSNP rs1396316823, ClinGen allele CA617823088.
Genomic context (GRCh38, chr15:48,235,007, plus strand): 5'-TTTTTTCCCAGCAGCTACTGGGATTCTTGCTGGTGCCAATATCTCAGGAGATTTGGAGGT[A>G]CGTTGTTTGCTCTGCTTTGCAGTCCTGGGAGTGGTGGTACACTTGGTGGGTAGCACAAGG-3'